The following is an entry in ClinVar:

NM_000268.4(NF2):c.310A>G (p.Asn104Asp)

Gene: NF2 (NF2, moesin-ezrin-radixin like (MERLIN) tumor suppressor; plus strand). Cytogenetic location: 22q12.2.
Variant type: single nucleotide variant.
Coding change: c.310A>G on transcript NM_000268.4 (MANE Select); coding-DNA position 310, A replaced by G.
Protein change: p.Asn104Asp; replaces asparagine 104 with aspartic acid.
Molecular consequence: missense variant. On other transcripts: non-coding transcript variant (1), intron variant (3).
Genome position (GRCh38, 1-based): chr22:29,639,159, A>G. VCF-style: chr22-29639159-A-G. GRCh37 (hg19) VCF-style: chr22-30035148-A-G.
Other names: c.196A>G, p.Asn66Asp (NM_001407053.1, NM_001407056.1); c.184A>G, p.Asn62Asp (NM_001407055.1, NM_181828.3); c.310A>G, p.Asn104Asp (NM_001407057.1, NM_001407059.1, NM_001407060.1 and 5 more transcripts); c.-331A>G (NM_001407065.1); c.79A>G, p.Asn27Asp (NM_001407067.1); c.240+2283A>G (NM_181829.3); c.115-3043A>G (NM_181830.3, NM_181831.3); short protein forms N104D, N27D, N62D, N66D.
Identifiers: ClinVar variation 1717765 (VCV001717765.6), dbSNP rs2146871587, ClinGen allele CA411153275.
Genomic context (GRCh38, chr22:29,639,159, plus strand): 5'-CATGATGTTTCAAAGGAAGAACCAGTCACCTTTCACTTCTTGGCCAAATTTTATCCTGAG[A>G]ATGCTGAAGAGGAGCTGGTTCAGGAGATCACACAACATTTATTCTTCTTACAGGTACATC-3'
Protein context (NP_000259.1, residues 94-114): FHFLAKFYPE[Asn104Asp]AEEELVQEIT

ClinVar aggregate classification (germline): Uncertain significance (1 of 4 stars; one submission).

Conditions:
Neurofibromatosis, type 2 (SWNV). Also called: SCHWANNOMATOSIS, VESTIBULAR; NF2-Related Schwannomatosis; BILATERAL ACOUSTIC NEUROFIBROMATOSIS. Identifiers: Orphanet 637, MedGen C0027832, MONDO:0007039, OMIM 101000. Disease mechanism: loss of function.

Submission:

Labcorp Genetics (formerly Invitae), Labcorp
Classification: Uncertain significance for Neurofibromatosis, type 2. Last evaluated: 2022-08-22. Review status: criteria provided, single submitter. Criteria: Invitae Variant Classification Sherloc (09022015). Collection method: clinical testing. Allele origin: germline.
Comment: In summary, the available evidence is currently insufficient to determine the role of this variant in disease. Therefore, it has been classified as a Variant of Uncertain Significance. Algorithms developed to predict the effect of missense changes on protein structure and function (SIFT, PolyPhen-2, Align-GVGD) all suggest that this variant is likely to be tolerated. This variant has not been reported in the literature in individuals affected with NF2-related conditions. This variant is not present in population databases (gnomAD no frequency). This sequence change replaces asparagine, which is neutral and polar, with aspartic acid, which is acidic and polar, at codon 104 of the NF2 protein (p.Asn104Asp).